The following is an entry in ClinVar:

ClinVar aggregate classification (germline): Uncertain significance (1 of 4 stars; one submission).

Submission:

Labcorp Genetics (formerly Invitae), Labcorp
Classification: Uncertain significance. Last evaluated: 2021-05-10. Review status: criteria provided, single submitter. Criteria: Invitae Variant Classification Sherloc (09022015). Collection method: clinical testing. Allele origin: germline.
Comment: Algorithms developed to predict the effect of missense changes on protein structure and function are either unavailable or do not agree on the potential impact of this missense change (SIFT: "Tolerated"; PolyPhen-2: "Probably Damaging"; Align-GVGD: "Class C0"). This sequence change replaces leucine with valine at codon 43 of the UROS protein (p.Leu43Val). The leucine residue is highly conserved and there is a small physicochemical difference between leucine and valine. This variant is not present in population databases (ExAC no frequency). This variant has not been reported in the literature in individuals with UROS-related conditions. In summary, the available evidence is currently insufficient to determine the role of this variant in disease. Therefore, it has been classified as a Variant of Uncertain Significance.

NM_000375.3(UROS):c.127C>G (p.Leu43Val)

Gene: UROS (uroporphyrinogen III synthase; minus strand). Cytogenetic location: 10q26.2.
Variant type: single nucleotide variant.
Coding change: c.127C>G on transcript NM_000375.3 (MANE Select); coding-DNA position 127, C replaced by G.
Protein change: p.Leu43Val; replaces leucine 43 with valine.
Molecular consequence: missense variant. On other transcripts: non-coding transcript variant (2).
Genome position (GRCh38, 1-based): chr10:125,816,197, G>C on the plus strand (C>G on the coding strand, the complement: UROS is on the minus strand). VCF-style: chr10-125816197-G-C. GRCh37 (hg19) VCF-style: chr10-127504766-G-C.
Other names: c.127C>G, p.Leu43Val (NM_001324036.2, NM_001324037.2, NM_001324038.2 and 1 more transcripts); short protein forms L43V.
Identifiers: ClinVar variation 1352835 (VCV001352835.8), dbSNP rs2133947606, ClinGen allele CA378662121.